The following is an entry in ClinVar:

ClinVar aggregate classification (germline): Uncertain significance (1 of 4 stars; one submission).

Conditions:
Autosomal dominant epilepsy with auditory features. Identifiers: Orphanet 101046, MedGen C1838062, MONDO:0010898.

gnomAD v4.1: 2 of 1,614,158 alleles (0.00012%); highest among the groups gnomAD compares: Non-Finnish European, 0.00017%; no homozygotes.

Submission:

Labcorp Genetics (formerly Invitae), Labcorp
Classification: Uncertain significance for Autosomal dominant epilepsy with auditory features. Last evaluated: 2024-10-03. Review status: criteria provided, single submitter. Criteria: Invitae Variant Classification Sherloc (09022015). Collection method: clinical testing. Allele origin: germline.
Comment: This sequence change replaces proline, which is neutral and non-polar, with glutamine, which is neutral and polar, at codon 37 of the LGI1 protein (p.Pro37Gln). This variant is not present in population databases (gnomAD no frequency). This variant has not been reported in the literature in individuals affected with LGI1-related conditions. Invitae Evidence Modeling of protein sequence and biophysical properties (such as structural, functional, and spatial information, amino acid conservation, physicochemical variation, residue mobility, and thermodynamic stability) indicates that this missense variant is not expected to disrupt LGI1 protein function with a negative predictive value of 80%. In summary, the available evidence is currently insufficient to determine the role of this variant in disease. Therefore, it has been classified as a Variant of Uncertain Significance.

NM_005097.4(LGI1):c.110C>A (p.Pro37Gln)

Gene: LGI1 (leucine rich glioma inactivated 1; plus strand). Cytogenetic location: 10q23.33.
Variant type: single nucleotide variant.
Coding change: c.110C>A on transcript NM_005097.4 (MANE Select); coding-DNA position 110, C replaced by A.
Protein change: p.Pro37Gln; replaces proline 37 with glutamine.
Molecular consequence: missense variant. On other transcripts: non-coding transcript variant (1).
Genome position (GRCh38, 1-based): chr10:93,758,254, C>A. VCF-style: chr10-93758254-C-A. GRCh37 (hg19) VCF-style: chr10-95518011-C-A.
Other names: c.110C>A, p.Pro37Gln (NM_001308275.2, NM_001308276.2); short protein forms P37Q.
Identifiers: ClinVar variation 3661404 (VCV003661404.2).